The following is an entry in ClinVar:

ClinVar aggregate classification (germline): Conflicting classifications of pathogenicity. Review status: criteria provided, conflicting classifications (1 of 4 stars). 3 submissions from 3 submitters: Uncertain significance (2); Likely benign (1). Last evaluated 2024-03-26.

Conditions:
Inborn genetic diseases. Identifiers: MedGen C0950123, MeSH D030342.
Amyotrophic lateral sclerosis type 16. Also called: AMYOTROPHIC LATERAL SCLEROSIS 16, JUVENILE. Identifiers: Orphanet 300605, MedGen C3280587, MONDO:0013715, OMIM 614373.
Autosomal recessive distal spinal muscular atrophy 2. Also called: NEUROPATHY, DISTAL HEREDITARY MOTOR, AUTOSOMAL RECESSIVE 2; NEURONOPATHY, DISTAL HEREDITARY MOTOR, JERASH TYPE; NEUROPATHY, DISTAL HEREDITARY MOTOR, JERASH TYPE; SPINAL MUSCULAR ATROPHY, JERASH TYPE; Hereditary motor neuropathy, Jerash type; Motor neuropathy, distal, Jerash type. Identifiers: Orphanet 139552, MedGen C1854023, MONDO:0011585, OMIM 605726.

Allele frequency attached by ClinVar (database versions not stated): TOPMed 0.00002.
gnomAD v4.1: 45 of 1,613,920 alleles (0.0028%); highest among the groups gnomAD compares: Admixed American, 0.0083%; 1 homozygote.

Submissions (3):

Athena Diagnostics
Classification: Uncertain significance. Last evaluated: 2024-03-26. Review status: criteria provided, single submitter. Criteria: Athena Diagnostics Criteria. Collection method: clinical testing. Allele origin: unknown.
Comment: Available data are insufficient to determine the clinical significance of the variant at this time. The frequency of this variant in the general population is uninformative in assessment of its pathogenicity. Computational tools predict that this variant is not damaging.

Ambry Genetics
Classification: Likely benign for Inborn genetic diseases. Last evaluated: 2024-01-04. Review status: criteria provided, single submitter. Criteria: Ambry Variant Classification Scheme 2023. Collection method: clinical testing. Allele origin: germline.

Labcorp Genetics (formerly Invitae), Labcorp
Classification: Uncertain significance for Autosomal recessive distal spinal muscular atrophy 2; Amyotrophic lateral sclerosis type 16. Last evaluated: 2022-10-17. Review status: criteria provided, single submitter. Criteria: Invitae Variant Classification Sherloc (09022015). Collection method: clinical testing. Allele origin: germline.
Comment: This sequence change replaces glycine, which is neutral and non-polar, with arginine, which is basic and polar, at codon 155 of the SIGMAR1 protein (p.Gly155Arg). This variant is present in population databases (rs200076129, gnomAD 0.006%). This variant has not been reported in the literature in individuals affected with SIGMAR1-related conditions. ClinVar contains an entry for this variant (Variation ID: 465869). Algorithms developed to predict the effect of missense changes on protein structure and function (SIFT, PolyPhen-2, Align-GVGD) all suggest that this variant is likely to be tolerated. In summary, the available evidence is currently insufficient to determine the role of this variant in disease. Therefore, it has been classified as a Variant of Uncertain Significance.

NM_005866.4(SIGMAR1):c.463G>A (p.Gly155Arg)

Gene: SIGMAR1 (sigma receptor chaperone 1; minus strand). Cytogenetic location: 9p13.3.
Variant type: single nucleotide variant.
Coding change: c.463G>A on transcript NM_005866.4 (MANE Select); coding-DNA position 463, G replaced by A.
Protein change: p.Gly155Arg; replaces glycine 155 with arginine.
Molecular consequence: missense variant. On other transcripts: 3 prime UTR variant (1), non-coding transcript variant (1), intron variant (1).
Genome position (GRCh38, 1-based): chr9:34,635,841, C>T on the plus strand (G>A on the coding strand, the complement: SIGMAR1 is on the minus strand). VCF-style: chr9-34635841-C-T. GRCh37 (hg19) VCF-style: chr9-34635838-C-T.
Other names: c.163G>A, p.Gly55Arg (NM_001282206.2); c.403G>A, p.Gly135Arg (NM_001282207.2); c.*6G>A (NM_001282208.2); c.323G>A, p.Arg108Gln (NM_001282209.2); c.370G>A, p.Gly124Arg (NM_147157.3); c.446-201G>A (NM_001282205.2); short protein forms G155R, G124R, G135R, G55R, R108Q.
Identifiers: ClinVar variation 465869 (VCV000465869.13), dbSNP rs200076129, ClinGen allele CA5035850.
Genomic context (GRCh38, chr9:34,635,841, plus strand): 5'-GGCCGTACTCCACCATCCATGTGTTTGGCCCCCACTCCACAGCTGTTGCCTCACCAGGCC[C>T]GTGTACTACCGTCTCCCCTGGGGGACAGGGAGCACCCAAGTGAAAAGCCAGCTCTGCCCT-3'
Protein context (NP_005857.1, residues 145-165): VFYPGETVVH[Gly155Arg]PGEATAVEWG